The following is an entry in ClinVar:

NM_000297.4(PKD2):c.595+1G>C

Gene: PKD2 (polycystin 2, transient receptor potential cation channel; plus strand). Cytogenetic location: 4q22.1.
Variant type: single nucleotide variant.
Coding change: c.595+1G>C on transcript NM_000297.4 (MANE Select); the canonical splice donor site of the intron after coding-DNA position 595, G replaced by C.
Molecular consequence: splice donor variant.
Genome position (GRCh38, 1-based): chr4:88,008,329, G>C. VCF-style: chr4-88008329-G-C. GRCh37 (hg19) VCF-style: chr4-88929481-G-C.
Other names: c.595+1G>C (NM_000297.3).
Identifiers: ClinVar variation 811939 (VCV000811939.9), dbSNP rs1578111778, ClinGen allele CA357627248.

ClinVar aggregate classification (germline): Pathogenic. Review status: criteria provided, multiple submitters, no conflicts (2 of 4 stars). 2 submissions from 2 submitters: Pathogenic (2). Last evaluated 2026-02-04.

Conditions:
PKD2-related disorder. Also called: PKD2-related condition.
Polycystic kidney disease 2 (PKD2). Also called: Polycystic Kidney Disease 2, Autosomal Dominant; POLYCYSTIC KIDNEY DISEASE, ADULT, TYPE II; POLYCYSTIC KIDNEY DISEASE 2 WITH OR WITHOUT POLYCYSTIC LIVER DISEASE. Identifiers: MedGen C2751306, MONDO:0013131, OMIM 613095.

gnomAD v4.1: 1 of 1,506,526 alleles (0.000066%); highest among the groups gnomAD compares: Non-Finnish European, 0.000088%; no homozygotes.

Submissions (2):

PreventionGenetics, part of Exact Sciences
Classification: Pathogenic for PKD2-related condition. Last evaluated: 2026-02-04. Review status: criteria provided, single submitter. Criteria: ACMG Guidelines, 2015. Collection method: clinical testing. Allele origin: germline.
Comment: The PKD2 c.595+1G>C variant is predicted to disrupt the GT donor site and interfere with normal splicing. This variant was reported in individuals with autosomal dominant polycystic kidney disease (ADPKD) (Supp. Table S4, Audrézet et al. 2012. PubMed ID: 22508176; Table S6D, Kim et al. 2019. PubMed ID: 31740684). This variant has not been reported in a large population database (gnomAD), indicating this variant is rare. Variants that disrupt the consensus splice donor site in PKD2 are expected to be pathogenic. This variant is interpreted as pathogenic.

ARUP Laboratories, Molecular Genetics and Genomics, ARUP Laboratories
Classification: Pathogenic for Polycystic kidney disease 2. Last evaluated: 2019-03-08. Review status: criteria provided, single submitter. Criteria: ARUP Molecular Germline Variant Investigation Process. Collection method: clinical testing. Allele origin: germline.
Comment: The PKD2 c.595+1G>C variant is reported in the literature in an individual affected with autosomal dominant polycystic kidney disease (Audrezet 2012). This variant is absent from general population databases (Exome Variant Server, Genome Aggregation Database), indicating it is not a common polymorphism. This variant abolishes the canonical splice donor site of intron 1, which is likely to disrupt gene function. Based on available information, this variant is considered to be pathogenic. References: Audrezet MP et al. Autosomal dominant polycystic kidney disease: comprehensive mutation analysis of PKD1 and PKD2 in 700 unrelated patients. Hum Mutat. 2012 Aug;33(8):1239-50.